The following is an entry in ClinVar:

NM_031935.3(HMCN1):c.5339G>A (p.Gly1780Glu)

Gene: HMCN1 (hemicentin 1; plus strand). Cytogenetic location: 1q31.1.
Variant type: single nucleotide variant.
Coding change: c.5339G>A on transcript NM_031935.3 (MANE Select); coding-DNA position 5339, G replaced by A.
Protein change: p.Gly1780Glu; replaces glycine 1780 with glutamic acid.
Molecular consequence: missense variant.
Genome position (GRCh38, 1-based): chr1:186,018,221, G>A. VCF-style: chr1-186018221-G-A. GRCh37 (hg19) VCF-style: chr1-185987353-G-A.
Other names: short protein forms G1780E.
Identifiers: ClinVar variation 3630669 (VCV003630669.2).

ClinVar aggregate classification (germline): Uncertain significance (1 of 4 stars; one submission).

gnomAD v4.1: 5 of 1,612,712 alleles (0.00031%); highest among the groups gnomAD compares: Non-Finnish European, 0.00042%; no homozygotes.

Submission:

Labcorp Genetics (formerly Invitae), Labcorp
Classification: Uncertain significance. Last evaluated: 2024-12-20. Review status: criteria provided, single submitter. Criteria: Invitae Variant Classification Sherloc (09022015). Collection method: clinical testing. Allele origin: germline.
Comment: This sequence change replaces glycine, which is neutral and non-polar, with glutamic acid, which is acidic and polar, at codon 1780 of the HMCN1 protein (p.Gly1780Glu). This variant is not present in population databases (gnomAD no frequency). This variant has not been reported in the literature in individuals affected with HMCN1-related conditions. An algorithm developed to predict the effect of missense changes on protein structure and function (PolyPhen-2) suggests that this variant is likely to be tolerated. In summary, the available evidence is currently insufficient to determine the role of this variant in disease. Therefore, it has been classified as a Variant of Uncertain Significance.